The following is an entry in ClinVar:

ClinVar aggregate classification (germline): Conflicting classifications of pathogenicity. Review status: criteria provided, conflicting classifications (1 of 4 stars). 10 submissions from 10 submitters: Uncertain significance (6); Likely benign (4). Last evaluated 2026-03-02.

Conditions:
Cardiovascular phenotype. Identifiers: MedGen CN230736.
Arrhythmogenic right ventricular cardiomyopathy (ARVD). Also called: Arrhythmogenic cardiomyopathy; Arrhythmogenic Right Ventricular Cardiomyopathy (ARVC); Cardiomyopathy, ARVC; Arrhythmogenic right ventricular dysplasia. Identifiers: Orphanet 247, MedGen C0349788, MeSH D019571, MONDO:0016587. Disease mechanism: loss of function. Inheritance: Various modes of inheritance.
Cardiomyopathy (CMYO). Also called: Cardiomyopathies. Identifiers: Orphanet 167848, MedGen C0878544, MONDO:0004994, HP:0001638. Inheritance: Various modes of inheritance.
Arrhythmogenic right ventricular dysplasia 10. Also called: Arrhythmogenic right ventricular dysplasia/cardiomyopathy, type 10; ARRHYTHMOGENIC RIGHT VENTRICULAR DYSPLASIA, FAMILIAL, 10; Arrhythmogenic Right Ventricular Dysplasia/Cardiomyopathy10. Identifiers: MedGen C1857777, MONDO:0012434, OMIM 610193.
Primary dilated cardiomyopathy (DCM). Also called: Dilated Cardiomyopathy. Identifiers: Orphanet 217604, MedGen C0007193, MeSH D002311, MONDO:0005021, HP:0001644. Inheritance: Various modes of inheritance.

Allele frequency attached by ClinVar (database versions not stated): gnomAD 0.00003; ExAC 0.00005; gnomAD exomes 0.00007 and 0.00018; TOPMed 0.00013; ESP Exome Variant Server 0.00024.
gnomAD v4.1: 270 of 1,614,068 alleles (0.017%); highest among the groups gnomAD compares: Non-Finnish European, 0.021%; no homozygotes.

Submissions (10):

Ambry Genetics
Classification: Uncertain significance for Cardiovascular phenotype. Last evaluated: 2026-03-02. Review status: criteria provided, single submitter. Criteria: Ambry Variant Classification Scheme 2023. Collection method: clinical testing. Allele origin: germline.

Labcorp Genetics (formerly Invitae), Labcorp
Classification: Uncertain significance for Arrhythmogenic right ventricular dysplasia 10. Last evaluated: 2026-02-02. Review status: criteria provided, single submitter. Criteria: Invitae Variant Classification Sherloc (09022015). Collection method: clinical testing. Allele origin: germline.
Comment: This sequence change replaces valine, which is neutral and non-polar, with isoleucine, which is neutral and non-polar, at codon 1014 of the DSG2 protein (p.Val1014Ile). This variant is present in population databases (rs200830807, gnomAD 0.01%). This missense change has been observed in individual(s) with dilated cardiomyopathy (PMID: 20716751, 23861362, 24503780, 27532257). ClinVar contains an entry for this variant (Variation ID: 44309). Invitae Evidence Modeling of protein sequence and biophysical properties (such as structural, functional, and spatial information, amino acid conservation, physicochemical variation, residue mobility, and thermodynamic stability) has been performed for this missense variant. However, the output from this modeling did not meet the statistical confidence thresholds required to predict the impact of this variant on DSG2 protein function. In summary, the available evidence is currently insufficient to determine the role of this variant in disease. Therefore, it has been classified as a Variant of Uncertain Significance.

Women's Health and Genetics/Laboratory Corporation of America, LabCorp
Classification: Likely benign. Last evaluated: 2025-08-18. Review status: criteria provided, single submitter. Criteria: LabCorp Variant Classification Summary - May 2015. Collection method: clinical testing. Allele origin: germline.
Comment: Variant summary: DSG2 c.3040G>A (p.Val1014Ile) results in a conservative amino acid change in the encoded protein sequence. Algorithms developed to predict the effect of missense changes on protein structure and function are either unavailable or do not agree on the potential impact of this missense change. The variant allele was found at a frequency of 7.2e-05 in 249792 control chromosomes. The observed variant frequency is approximately 7-fold of the estimated maximal expected allele frequency for a pathogenic variant in DSG2 causing Arrhythmia phenotype (1e-05). c.3040G>A has been reported in the literature as a VUS in settings of multigene panel testing of individuals with a variety of cardiac phenotypes such as idiopathic dilated cardiomyopathy (DCM), DCM, exertion-related sudden unexplained death in the young (SUDY) (example, Elliott_2010, Pugh_2014, Anderson_2016, Mellor_2017, Walsh_2017) and as a Likely Pathogenic cardiomyopathy associated variant in at-least one individual with hypertension/stroke (example, Ng_2013). These data do not allow any conclusion about variant significance. At-least one of these reports mentions a co-occurrence with another pathogenic variant in an individual with exertion-related sudden unexplained death in the young (SUDY) (MYBPC3 c.2374T>C, p.Trp792Arg), providing supporting evidence for a benign role (Anderson_2016). To our knowledge, no experimental evidence demonstrating an impact on protein function has been reported. The following publications have been ascertained in the context of this evaluation (PMID: 27114410, 20716751, 28600387, 23861362, 24503780, 27532257). ClinVar contains an entry for this variant (Variation ID: 44309). Based on the evidence outlined above, the variant was classified as likely benign.

GeneDx
Classification: Likely benign. Last evaluated: 2025-03-26. Review status: criteria provided, single submitter. Criteria: GeneDx Variant Classification Process June 2021. Collection method: clinical testing. Allele origin: germline. Affected: yes.
Comment: See Variant Classification Assertion Criteria.

Blueprint Genetics
Classification: Likely benign. Last evaluated: 2024-06-18. Review status: criteria provided, single submitter. Criteria: ACMG Guidelines, 2015. Collection method: clinical testing. Allele origin: germline.

Color Diagnostics, LLC DBA Color Health
Classification: Likely benign for Cardiomyopathy. Last evaluated: 2024-03-19. Review status: criteria provided, single submitter. Criteria: ACMG Guidelines, 2015. Collection method: clinical testing. Allele origin: germline.

All of Us Research Program, National Institutes of Health
Classification: Uncertain significance for Arrhythmogenic right ventricular cardiomyopathy. Last evaluated: 2024-01-11. Review status: criteria provided, single submitter. Criteria: ACMG Guidelines, 2015. Collection method: clinical testing. Allele origin: germline. Inheritance: Autosomal dominant inheritance. Observed: 29 variant alleles, 29 heterozygotes.
Comment: This missense variant replaces valine with isoleucine at codon 1014 of the DSG2 protein. Computational prediction suggests that this variant may not impact protein structure and function (internally defined REVEL score threshold <= 0.5, PMID: 27666373). To our knowledge, functional studies have not been reported for this variant. This variant has been identified in three individuals affected with dilated cardiomyopathy (PMID: 20716751, 23861362, 24503780). This variant has been observed in a young individual with exertion-induced sudden unexplained death, who also carried a pathogenic variant in the MYBPC3 gene (PMID: 27114410). This variant has also been identified in 19/280798 chromosomes in the general population by the Genome Aggregation Database (gnomAD). The available evidence is insufficient to determine the role of this variant in disease conclusively. Therefore, this variant is classified as a Variant of Uncertain Significance.

This study involves interpretation of variants in research participants for the purpose of population health screening. Participant phenotype was not available at the time of variant classification. Additional details can be found in publication PMID: 35346344, PMCID: PMC8962531

Biesecker Lab/Clinical Genomics Section, National Institutes of Health
Classification: Uncertain significance for Primary dilated cardiomyopathy. Last evaluated: 2018-04-05. Review status: criteria provided, single submitter. Criteria: ACMG Guidelines, 2015. Collection method: research. Allele origin: unknown. Affected: no. Observed: 1 variant allele.
Comment: The study set was not selected for affection status in relation to arrhythmia or cardiomyopathy. Pathogenicity categories were based on literature curation. See Pubmed ID:25741868 for details.

Medical sequencing

CHEO Genetics Diagnostic Laboratory, Children's Hospital of Eastern Ontario
Classification: Uncertain significance for Cardiomyopathy. Last evaluated: 2015-12-18. Review status: criteria provided, single submitter. Criteria: ACMG Guidelines, 2015. Collection method: clinical testing. Allele origin: germline. Study: Canadian Open Genetics Repository.

Laboratory for Molecular Medicine, Mass General Brigham Personalized Medicine
Classification: Uncertain significance. Last evaluated: 2012-07-30. Review status: criteria provided, single submitter. Criteria: LMM Criteria. Collection method: clinical testing. Allele origin: germline. Observed: 1 variant allele.
Comment: The Val1014Ile variant in DSG2 has been reported in 1 individual with DCM and wa s absent from 400 control chromosomes (Elliott 2010). In addition, this variant has been identified in 3/8352 European American chromosomes from a broad populat ion by the NHLBI Exome Sequencing Project. C omputational analyses (biochemical amino acid properties, conservation, AlignGVG D, PolyPhen2, and SIFT) do not provide strong support for or against an impact t o the protein. Additional information is needed to fully assess the clinical sig nificance of the Val1014Ile variant.

Literature cited by the submitters: PubMed 20716751 (cited by 4 submitters); PubMed 23861362 (cited by 3 submitters); PubMed 24503780 (cited by 3 submitters); PubMed 27532257 (cited by Labcorp Genetics (formerly Invitae), Labcorp and Women's Health and Genetics/Laboratory Corporation of America, LabCorp); PubMed 27114410 (cited by Women's Health and Genetics/Laboratory Corporation of America, LabCorp and All of Us Research Program, National Institutes of Health); PubMed 28600387 (cited by Women's Health and Genetics/Laboratory Corporation of America, LabCorp).

NM_001943.5(DSG2):c.3040G>A (p.Val1014Ile)

Genes: DSG2 (desmoglein 2; plus strand), DSG2-AS1 (DSG2 antisense RNA 1; minus strand). Cytogenetic location: 18q12.1.
Variant type: single nucleotide variant.
Coding change: c.3040G>A on transcript NM_001943.5 (MANE Select); coding-DNA position 3040, G replaced by A.
Protein change: p.Val1014Ile; replaces valine 1014 with isoleucine.
Molecular consequence: missense variant.
Genome position (GRCh38, 1-based): chr18:31,546,426, G>A. VCF-style: chr18-31546426-G-A. GRCh37 (hg19) VCF-style: chr18-29126389-G-A.
Other names: p.V1014I:GTC>ATC; short protein forms V1014I.
Identifiers: ClinVar variation 44309 (VCV000044309.30), dbSNP rs200830807, ClinGen allele CA021956.
Genomic context (GRCh38, chr18:31,546,426, plus strand): 5'-CCTCATGGGGGTGGATCGAATCCTCTGGAAGGCACTCAGCATCTTCAAGATGTACCTTAC[G>A]TCATGGTGAGGGAAAGAGAGAGCTTCCTTGCCCCCAGCTCAGGTGTGCAGCCTACTCTGG-3'
Protein context (NP_001934.2, residues 1004-1024): GTQHLQDVPY[Val1014Ile]MVRERESFLA